The following is an entry in ClinVar:

NM_002693.3(POLG):c.2800_2801del (p.Lys934fs)

Gene: POLG (DNA polymerase gamma, catalytic subunit; minus strand). Cytogenetic location: 15q26.1.
Variant type: Deletion.
Coding change: c.2800_2801del on transcript NM_002693.3 (MANE Select); coding-DNA positions 2800 to 2801, 2 bases deleted (AA; older notation c.2800_2801delAA).
Protein change: p.Lys934fs; shifts the reading frame from lysine 934.
Molecular consequence: frameshift variant.
Genome position (GRCh38, 1-based): chr15:89,320,946-89,320,947, TT deleted on the plus strand (AA on the coding strand, the reverse complement: POLG is on the minus strand). VCF-style (leftmost placement, unchanged base first): chr15-89320945-CTT-C. GRCh37 (hg19) VCF-style: chr15-89864176-CTT-C.
Other names: c.2800_2801delAA (NM_002693.2); c.2800_2801del, p.Lys934fs (NM_001126131.2); c.2800_2801del (NM_002693.2); short protein forms K934fs.
Identifiers: ClinVar variation 206607 (VCV000206607.4), dbSNP rs796052907, ClinGen allele CA316856.

ClinVar aggregate classification (germline): Pathogenic. Review status: criteria provided, multiple submitters, no conflicts (2 of 4 stars). 2 submissions from 2 submitters: Pathogenic (2). Last evaluated 2025-11-28.

Conditions:
POLG-related disorder. Also called: POLG-related condition; POLG-Related Disorders; POLG-Related Spectrum Disorders. Identifiers: MedGen C4763519.

Submissions (2):

Myriad Genetics, Inc.
Classification: Pathogenic for POLG-related disorder. Last evaluated: 2025-11-28. Review status: criteria provided, single submitter. Criteria: Myriad Autosomal Dominant, Autosomal Recessive and X-Linked Classification Criteria (2023). Collection method: clinical testing. Allele origin: unknown.
Comment: NM_002693.2(POLG):c.2800_2801delAA(K934Dfs*10) is expected to be pathogenic in the context of POLG-related disorders. This variant is predicted to lead to an abnormal or absent protein product due to the creation of a premature termination codon in POLG, a gene where loss-of-function variants are known to be pathogenic. Please note: this variant was assessed in the context of healthy population screening.

GeneDx
Classification: Pathogenic. Last evaluated: 2025-07-31. Review status: criteria provided, single submitter. Criteria: GeneDx Variant Classification Process June 2021. Collection method: clinical testing. Allele origin: germline. Affected: yes.
Comment: Frameshift variant predicted to result in protein truncation or nonsense mediated decay in a gene for which loss of function is a known mechanism of disease; Not observed at significant frequency in large population cohorts (gnomAD); This variant is associated with the following publications: (PMID: 36403551, 29655203)